The following is an entry in ClinVar:

NM_001101362.3(KBTBD13):c.387C>G (p.Ile129Met)

Gene: KBTBD13 (kelch repeat and BTB domain containing 13; plus strand). Cytogenetic location: 15q22.31.
Variant type: single nucleotide variant.
Coding change: c.387C>G on transcript NM_001101362.3 (MANE Select); coding-DNA position 387, C replaced by G.
Protein change: p.Ile129Met; replaces isoleucine 129 with methionine.
Molecular consequence: missense variant.
Genome position (GRCh38, 1-based): chr15:65,077,202, C>G. VCF-style: chr15-65077202-C-G. GRCh37 (hg19) VCF-style: chr15-65369540-C-G.
Other names: short protein forms I129M.
Identifiers: ClinVar variation 464356 (VCV000464356.8), dbSNP rs1246047806, ClinGen allele CA392860361.

ClinVar aggregate classification (germline): Uncertain significance (1 of 4 stars; one submission).

Conditions:
Nemaline myopathy 6 (NEM6). Also called: Nemaline myopathy 6, autosomal dominant. Identifiers: Orphanet 171439, MedGen C1836472, MONDO:0012237, OMIM 609273.

Submission:

Labcorp Genetics (formerly Invitae), Labcorp
Classification: Uncertain significance for Nemaline myopathy 6. Last evaluated: 2024-10-18. Review status: criteria provided, single submitter. Criteria: Invitae Variant Classification Sherloc (09022015). Collection method: clinical testing. Allele origin: germline.
Comment: This sequence change replaces isoleucine, which is neutral and non-polar, with methionine, which is neutral and non-polar, at codon 129 of the KBTBD13 protein (p.Ile129Met). This variant is not present in population databases (gnomAD no frequency). This variant has not been reported in the literature in individuals affected with KBTBD13-related conditions. ClinVar contains an entry for this variant (Variation ID: 464356). Invitae Evidence Modeling of protein sequence and biophysical properties (such as structural, functional, and spatial information, amino acid conservation, physicochemical variation, residue mobility, and thermodynamic stability) indicates that this missense variant is not expected to disrupt KBTBD13 protein function with a negative predictive value of 80%. In summary, the available evidence is currently insufficient to determine the role of this variant in disease. Therefore, it has been classified as a Variant of Uncertain Significance.